The following is an entry in ClinVar:

ClinVar aggregate classification (germline): Uncertain significance (1 of 4 stars; one submission).

Conditions:
Spastic paraplegia. Identifiers: MedGen C0037772, HP:0001258.

Allele frequency attached by ClinVar (database versions not stated): gnomAD 0.00001.
gnomAD v4.1: 6 of 1,613,970 alleles (0.00037%); highest among the groups gnomAD compares: South Asian, 0.0055%; no homozygotes.

Submission:

Labcorp Genetics (formerly Invitae), Labcorp
Classification: Uncertain significance for Spastic paraplegia. Last evaluated: 2022-02-09. Review status: criteria provided, single submitter. Criteria: Invitae Variant Classification Sherloc (09022015). Collection method: clinical testing. Allele origin: germline.
Comment: This sequence change replaces serine, which is neutral and polar, with leucine, which is neutral and non-polar, at codon 224 of the RTN2 protein (p.Ser224Leu). This variant is present in population databases (no rsID available, gnomAD 0.006%). In summary, the available evidence is currently insufficient to determine the role of this variant in disease. Therefore, it has been classified as a Variant of Uncertain Significance. Algorithms developed to predict the effect of missense changes on protein structure and function are either unavailable or do not agree on the potential impact of this missense change (SIFT: "Deleterious"; PolyPhen-2: "Benign"; Align-GVGD: "Class C0"). This variant has not been reported in the literature in individuals affected with RTN2-related conditions.

NM_005619.5(RTN2):c.671C>T (p.Ser224Leu)

Genes: OPA3-RTN2 (OPA3-RTN2 readthrough; minus strand), RTN2 (reticulon 2; minus strand). Cytogenetic location: 19q13.32.
Variant type: single nucleotide variant.
Coding change: c.671C>T on transcript NM_005619.5 (MANE Select); coding-DNA position 671, C replaced by T.
Protein change: p.Ser224Leu; replaces serine 224 with leucine.
Molecular consequence: missense variant.
Genome position (GRCh38, 1-based): chr19:45,494,309, G>A on the plus strand (C>T on the coding strand, the complement: RTN2 is on the minus strand). VCF-style: chr19-45494309-G-A. GRCh37 (hg19) VCF-style: chr19-45997567-G-A.
Other names: c.671C>T, p.Ser224Leu (NM_206900.3); short protein forms S224L.
Identifiers: ClinVar variation 1970752 (VCV001970752.5), dbSNP rs1357825111, ClinGen allele CA406360677.